The following is an entry in ClinVar:

NM_033419.5(PGAP3):c.*559C>T

Gene: PGAP3 (post-GPI attachment to proteins phospholipase 3; minus strand). Cytogenetic location: 17q12.
Variant type: single nucleotide variant.
Coding change: c.*559C>T on transcript NM_033419.5 (MANE Select); 559 bases downstream of the stop codon, C replaced by T.
Molecular consequence: 3 prime UTR variant.
Genome position (GRCh38, 1-based): chr17:39,672,244, G>A on the plus strand (C>T on the coding strand, the complement: PGAP3 is on the minus strand). VCF-style: chr17-39672244-G-A. GRCh37 (hg19) VCF-style: chr17-37828497-G-A.
Other names: c.*559C>T (NM_001291726.2, NM_001291728.2, NM_001291730.2 and 1 more transcripts); c.*608C>T (NM_001291733.2).
Identifiers: ClinVar variation 224642 (VCV000224642.8), dbSNP rs183208638, ClinGen allele CA351383.

ClinVar aggregate classification (germline): Conflicting classifications of pathogenicity. Review status: criteria provided, conflicting classifications (1 of 4 stars). 7 submissions from 7 submitters: Likely pathogenic (3); Uncertain significance (2). 2 of the submissions do not count toward it. Last evaluated 2026-09-27.

Conditions:
Hyperphosphatasia with impaired intellectual development syndrome 4. Also called: Hyperphosphatasia with intellectual disability syndrome 4; GLYCOSYLPHOSPHATIDYLINOSITOL BIOSYNTHESIS DEFECT 10. Identifiers: Orphanet 247262, MedGen C3810354, MONDO:0014318, OMIM 615716.
Fetal anomalies with a likely genetic cause.

Allele frequency attached by ClinVar (database versions not stated): 1000 Genomes Project 0.00140; gnomAD 0.00300 and 0.00299; gnomAD exomes 0.00406; TOPMed 0.00272; 1000 Genomes Project 30x 0.00141.
gnomAD v4.1: 467 of 156,970 alleles (0.3%); highest among the groups gnomAD compares: Non-Finnish European, 0.48%; no homozygotes.

Submissions (7):

Genetics Laboratory, Great Ormond Street Hospital NHS Foundation Trust, North Thames Genomic Laboratory Hub
Classification: Likely pathogenic for Fetal anomalies with a likely genetic cause. Last evaluated: 2026-09-27. Review status: criteria provided, single submitter. Criteria: ACGS Best Practice Guidelines for Variant Classification in Rare Disease 2024 v1.2. Collection method: clinical testing. Allele origin: germline. Affected: yes.
Comment: PVS1_strong, PM3_moderate

First Genomix Gene Laboratory, Genetic Diagnostics Department
Classification: Likely pathogenic for Hyperphosphatasia with impaired intellectual development syndrome 4. Last evaluated: 2025-09-19. Review status: criteria provided, single submitter. Criteria: ACMG Guidelines, 2015. Collection method: clinical testing. Allele origin: germline. Inheritance: Autosomal recessive inheritance. Affected: no. Observed: 1 variant allele.

Laboratory of Genetics, Children's Clinical University Hospital Latvia
Classification: Likely pathogenic. Last evaluated: 2025-02-16. Review status: criteria provided, single submitter. Criteria: ACMG Guidelines, 2015. Collection method: clinical testing. Allele origin: germline. Affected: yes.

CENTOGENE GmbH and LLC - Guiding Precision Medicine
Classification: Uncertain significance for Hyperphosphatasia with impaired intellectual development syndrome 4. Last evaluated: 2021-08-26. Review status: criteria provided, single submitter. Criteria: ACMG Guidelines, 2015. Collection method: clinical testing. Allele origin: maternal. Affected: no.

New York Genome Center
Classification: Uncertain significance for Hyperphosphatasia with impaired intellectual development syndrome 4. Last evaluated: 2020-06-18. Review status: criteria provided, single submitter. Criteria: NYGC Assertion Criteria 2020. Collection method: clinical testing. Allele origin: germline. Observed: 1 heterozygote. Study: CSER-NYCKidSeq.

Reproductive Health Research and Development, BGI Genomics
Classification: Uncertain significance for Hyperphosphatasia with mental retardation syndrome 4. Last evaluated: 2020-01-06. Review status: no assertion criteria provided. Collection method: curation. Allele origin: germline. Not counted in ClinVar's aggregate classification.
Comment: NM_033419.3:c.*559C>T in the PGAP3 gene has an allele frequency of 0.006 in European (non-Finnish) subpopulation in the gnomAD database. Two sibblings affected with hyperphosphatasia with mental retardation syndrome, were compound heterozygotes for this variant and a missense c.861G>T mutation (PMID: 27120253). Benign computational verdict because benign predictions from DANN, FATHMM-MKL and MutationTaster. We interpret it as variant of uncertain significance (VUS). ACMG/AMP criteria applied: BP4, PM3.

Institute for Medical Genetics and Human Genetics, Charité - Universitätsmedizin Berlin
Classification: Pathogenic for Hyperphosphatasia with impaired intellectual development syndrome 4. Last evaluated: 2016-03-01. Review status: no assertion criteria provided. Collection method: research. Allele origin: germline. Affected: yes. Not counted in ClinVar's aggregate classification.
Comment: Disease causing variant in homozygous or compound heterozygous state. New miRNA binding site is formed and transcript is severly downregulated when the common variant c.*560A>G is also present